The following is an entry in ClinVar:

ClinVar aggregate classification (germline): Conflicting classifications of pathogenicity. Review status: criteria provided, conflicting classifications (1 of 4 stars). 6 submissions from 6 submitters: Uncertain significance (3); Likely benign (1). 2 of the submissions do not count toward it. Last evaluated 2026-09-21.

Conditions:
ADGRV1-related disorder. Also called: ADGRV1-related condition; ADGRV1-related disorders.

Allele frequency attached by ClinVar (database versions not stated): TOPMed 0.00005; gnomAD exomes 0.00009 and 0.00016; ExAC 0.00011; gnomAD 0.00011 and 0.00012.
gnomAD v4.1: 154 of 1,613,612 alleles (0.0095%); highest among the groups gnomAD compares: Non-Finnish European, 0.0065%; no homozygotes.

Submissions (6):

PreventionGenetics, part of Exact Sciences
Classification: Uncertain significance for ADGRV1-related condition. Last evaluated: 2026-09-21. Review status: criteria provided, single submitter. Criteria: ACMG Guidelines, 2015. Collection method: clinical testing. Allele origin: germline.
Comment: The ADGRV1 c.4429A>G variant is predicted to result in the amino acid substitution p.Thr1477Ala. To our knowledge, this variant has not been reported in the literature. This variant is reported in 0.12% of alleles in individuals of European (Finnish) descent in gnomAD. Although we suspect that this variant may be benign, at this time, the clinical significance of this variant is uncertain due to the absence of conclusive functional and genetic evidence.

Labcorp Genetics (formerly Invitae), Labcorp
Classification: Likely benign. Last evaluated: 2026-01-19. Review status: criteria provided, single submitter. Criteria: Invitae Variant Classification Sherloc (09022015). Collection method: clinical testing. Allele origin: germline.

Blueprint Genetics
Classification: Uncertain significance. Last evaluated: 2024-11-13. Review status: criteria provided, single submitter. Criteria: ACMG Guidelines, 2015. Collection method: clinical testing. Allele origin: germline.

GeneDx
Classification: Uncertain significance. Last evaluated: 2024-08-23. Review status: criteria provided, single submitter. Criteria: GeneDx Variant Classification Process June 2021. Collection method: clinical testing. Allele origin: germline. Affected: yes.
Comment: In silico analysis supports that this missense variant has a deleterious effect on protein structure/function; Has not been previously published as pathogenic or benign to our knowledge

Clinical Genetics DNA and cytogenetics Diagnostics Lab, Erasmus MC, Erasmus Medical Center
Classification: Uncertain significance. Review status: no assertion criteria provided. Collection method: clinical testing. Allele origin: germline. Affected: yes. Study: VKGL Data-share Consensus. Not counted in ClinVar's aggregate classification.

Clinical Genetics, Academic Medical Center
Classification: Uncertain significance. Review status: no assertion criteria provided. Collection method: clinical testing. Allele origin: germline. Affected: yes. Study: VKGL Data-share Consensus. Not counted in ClinVar's aggregate classification.

NM_032119.4(ADGRV1):c.4429A>G (p.Thr1477Ala)

Gene: ADGRV1 (adhesion G protein-coupled receptor V1; plus strand). Cytogenetic location: 5q14.3.
Variant type: single nucleotide variant.
Coding change: c.4429A>G on transcript NM_032119.4 (MANE Select); coding-DNA position 4429, A replaced by G.
Protein change: p.Thr1477Ala; replaces threonine 1477 with alanine.
Molecular consequence: missense variant. On other transcripts: non-coding transcript variant (1).
Genome position (GRCh38, 1-based): chr5:90,657,955, A>G. VCF-style: chr5-90657955-A-G. GRCh37 (hg19) VCF-style: chr5-89953772-A-G.
Other names: c.4429A>G (NM_032119.3); short protein forms T1477A.
Identifiers: ClinVar variation 1023324 (VCV001023324.12), dbSNP rs202097968, ClinGen allele CA3339351.